The following is an entry in ClinVar:

ClinVar aggregate classification (germline): Uncertain significance (1 of 4 stars; one submission).

Conditions:
Ullrich congenital muscular dystrophy 2 (UCMD2). Identifiers: Orphanet 75840, MedGen C4225314, MONDO:0014654, OMIM 616470.
Bethlem myopathy 2 (BTHLM2). Identifiers: Orphanet 536516, Orphanet 610, MedGen C4225313, MONDO:0034022, OMIM 616471.

Submission:

Labcorp Genetics (formerly Invitae), Labcorp
Classification: Uncertain significance for Bethlem myopathy 2; Ullrich congenital muscular dystrophy 2. Last evaluated: 2026-01-21. Review status: criteria provided, single submitter. Criteria: Invitae Variant Classification Sherloc (09022015). Collection method: clinical testing. Allele origin: germline.
Comment: This sequence change replaces leucine, which is neutral and non-polar, with phenylalanine, which is neutral and non-polar, at codon 2496 of the COL12A1 protein (p.Leu2496Phe). This variant is not present in population databases (gnomAD no frequency). This variant has not been reported in the literature in individuals affected with COL12A1-related conditions. Invitae Evidence Modeling of protein sequence and biophysical properties (such as structural, functional, and spatial information, amino acid conservation, physicochemical variation, residue mobility, and thermodynamic stability) has been performed for this missense variant. However, the output from this modeling did not meet the statistical confidence thresholds required to predict the impact of this variant on COL12A1 protein function. In summary, the available evidence is currently insufficient to determine the role of this variant in disease. Therefore, it has been classified as a Variant of Uncertain Significance.

NM_004370.6(COL12A1):c.7486C>T (p.Leu2496Phe)

Gene: COL12A1 (collagen type XII alpha 1 chain; minus strand). Cytogenetic location: 6q13.
Variant type: single nucleotide variant.
Coding change: c.7486C>T on transcript NM_004370.6 (MANE Select); coding-DNA position 7486, C replaced by T.
Protein change: p.Leu2496Phe; replaces leucine 2496 with phenylalanine.
Molecular consequence: missense variant.
Genome position (GRCh38, 1-based): chr6:75,117,415, G>A on the plus strand (C>T on the coding strand, the complement: COL12A1 is on the minus strand). VCF-style: chr6-75117415-G-A. GRCh37 (hg19) VCF-style: chr6-75827131-G-A.
Other names: c.7486C>T, p.Leu2496Phe (NM_001424113.1); c.7465C>T, p.Leu2489Phe (NM_001424114.1); c.7213C>T, p.Leu2405Phe (NM_001424115.1); c.3994C>T, p.Leu1332Phe (NM_001424116.1, NM_080645.3); short protein forms L2405F, L1332F, L2489F, L2496F.
Identifiers: ClinVar variation 4782379 (VCV004782379.1).